The following is an entry in ClinVar:

NM_001042492.3(NF1):c.1639dup (p.Glu547fs)

Gene: NF1 (neurofibromin 1; plus strand). Cytogenetic location: 17q11.2.
Variant type: Duplication.
Coding change: c.1639dup on transcript NM_001042492.3 (MANE Select); coding-DNA position 1639, one base duplicated (G; older notation c.1639dupG).
Protein change: p.Glu547fs; shifts the reading frame from glutamic acid 547.
Molecular consequence: frameshift variant.
Genome position (GRCh38, 1-based): chr17:31,219,116, G duplicated; the last of 2 consecutive G bases (chr17:31,219,115-31,219,116); duplicating either gives the same sequence. VCF-style (leftmost placement, unchanged base first): chr17-31219114-T-TG. GRCh37 (hg19) VCF-style: chr17-29546132-T-TG.
Other names: c.1639dup, p.Glu547Glyfs (NM_000267.4); c.1639dup, p.Glu547fs (NM_001128147.3); short protein forms E547fs.
Identifiers: ClinVar variation 848456 (VCV000848456.1), dbSNP rs2066877516, ClinGen allele CA916080573.

ClinVar aggregate classification (germline): Pathogenic (1 of 4 stars; one submission).

Conditions:
Neurofibromatosis, type 1 (NF1). Also called: Neurofibromatosis, type I; VON RECKLINGHAUSEN DISEASE; Peripheral type neurofibromatosis; NEUROFIBROMATOSIS, TYPE I, SOMATIC. Identifiers: Orphanet 636, MedGen C0027831, MONDO:0018975, OMIM 162200. Disease mechanism: loss of function.

Submission:

Labcorp Genetics (formerly Invitae), Labcorp
Classification: Pathogenic for Neurofibromatosis, type 1. Last evaluated: 2020-01-06. Review status: criteria provided, single submitter. Criteria: Invitae Variant Classification Sherloc (09022015). Collection method: clinical testing. Allele origin: germline.
Comment: This sequence change creates a premature translational stop signal (p.Glu547Glyfs*11) in the NF1 gene. It is expected to result in an absent or disrupted protein product. This variant is not present in population databases (ExAC no frequency). This variant has not been reported in the literature in individuals with NF1-related conditions. Loss-of-function variants in NF1 are known to be pathogenic (PMID: 10712197, 23913538). For these reasons, this variant has been classified as Pathogenic.